The following is an entry in ClinVar:

NM_015193.5(ARC):c.*258C>T

Gene: ARC (activity regulated cytoskeleton associated protein; minus strand). Cytogenetic location: 8q24.3.
Variant type: single nucleotide variant.
Coding change: c.*258C>T on transcript NM_015193.5 (MANE Select); 258 bases downstream of the stop codon, C replaced by T.
Molecular consequence: 3 prime UTR variant.
Genome position (GRCh38, 1-based): chr8:142,612,823, G>A on the plus strand (C>T on the coding strand, the complement: ARC is on the minus strand). VCF-style: chr8-142612823-G-A. GRCh37 (hg19) VCF-style: chr8-143694184-G-A.
Identifiers: ClinVar variation 1296951 (VCV001296951.3), dbSNP rs10097505, ClinGen allele CA12780221.

ClinVar aggregate classification (germline): Benign. Review status: criteria provided, multiple submitters, no conflicts (2 of 4 stars). 2 submissions from 2 submitters: Benign (2). Last evaluated 2019-04-20.

Allele frequency attached by ClinVar (database versions not stated): 1000 Genomes Project 0.43031; 1000 Genomes Project 30x 0.43082; gnomAD exomes 0.45943; gnomAD 0.46890 and 0.47341; TOPMed 0.46987.
gnomAD v4.1: 224,286 of 484,636 alleles (46%); highest among the groups gnomAD compares: Non-Finnish European, 50%; 53,758 homozygotes.

Submissions (2):

GeneDx
Classification: Benign. Last evaluated: 2019-04-20. Review status: criteria provided, single submitter. Criteria: GeneDx Variant Classification Process June 2021. Collection method: clinical testing. Allele origin: germline. Affected: yes.
Comment: This variant is associated with the following publications: (PMID: 28108859)

Breakthrough Genomics
Classification: Benign. Review status: criteria provided, single submitter. Criteria: ACMG Guidelines, 2015. Collection method: not provided. Allele origin: germline. Inheritance: Unknown mechanism. Affected: yes.